The following is an entry in ClinVar:

ClinVar aggregate classification (germline): Pathogenic/Likely pathogenic. Review status: criteria provided, multiple submitters, no conflicts (2 of 4 stars). 3 submissions from 3 submitters: Pathogenic (1); Likely pathogenic (2). Last evaluated 2025-03-11.

Conditions:
Hereditary cancer-predisposing syndrome. Also called: Hereditary Cancer Syndrome; Hereditary neoplastic syndrome; Tumor predisposition; Neoplastic Syndromes, Hereditary. Identifiers: Orphanet 140162, MedGen C0027672, MeSH D009386, MONDO:0015356.
Lynch syndrome 4 (LYNCH4). Also called: Colorectal cancer, hereditary nonpolyposis, type 4; Hereditary non-polyposis colorectal cancer, type 4. Identifiers: Orphanet 144, MedGen C1838333, MONDO:0013699, OMIM 614337. Disease mechanism: loss of function.

Submissions (3):

Myriad Genetics, Inc.
Classification: Likely pathogenic for Lynch syndrome 4. Last evaluated: 2025-03-11. Review status: criteria provided, single submitter. Criteria: Myriad Autosomal Dominant, Autosomal Recessive and X-Linked Classification Criteria (2023). Collection method: clinical testing. Allele origin: unknown.
Comment: This variant is considered likely pathogenic. This variant occurs within a consensus splice junction and is predicted to result in abnormal mRNA splicing of either an out-of-frame exon or an in-frame exon necessary for protein stability and/or normal function.

Quest Diagnostics Nichols Institute San Juan Capistrano
Classification: Likely pathogenic. Last evaluated: 2025-01-30. Review status: criteria provided, single submitter. Criteria: Quest Diagnostics criteria. Collection method: clinical testing. Allele origin: unknown.
Comment: The PMS2 c.251-1G>A variant disrupts a canonical splice-acceptor site and is predicted to interfere with normal PMS2 mRNA splicing. This variant has not been reported in individuals with PMS2-related conditions in the published literature. This variant has not been reported in large, multi-ethnic general populations (Genome Aggregation Database). Based on the available information, this variant is classified as likely pathogenic.

Ambry Genetics
Classification: Pathogenic for Hereditary cancer-predisposing syndrome. Last evaluated: 2018-02-08. Review status: criteria provided, single submitter. Criteria: Ambry Variant Classification Scheme 2023. Collection method: clinical testing. Allele origin: germline.
Comment: The c.251-1G>A intronic pathogenic mutation results from a G to A substitution one nucleotide upstream from coding exon 4 of the PMS2 gene. This nucleotide position is highly conserved in available vertebrate species. Based on two different splice site prediction tools, this alteration is expected to abolish the native splice acceptor site; however experimental evidence is not currently available. Alterations that disrupt the canonical splice site are expected to cause aberrant splicing, resulting in an abnormal protein or a transcript that is subject to nonsense-mediated mRNA decay. As such, this alteration is classified as a disease-causing mutation.

NM_000535.7(PMS2):c.251-1G>A

Gene: PMS2 (PMS1 homolog 2, mismatch repair system component; minus strand). Cytogenetic location: 7p22.1.
Variant type: single nucleotide variant.
Coding change: c.251-1G>A on transcript NM_000535.7 (MANE Select); the canonical splice acceptor site of the intron before coding-DNA position 251, G replaced by A.
Molecular consequence: splice acceptor variant. On other transcripts: missense variant (1), intron variant (11).
Genome position (GRCh38, 1-based): chr7:6,003,793, C>T on the plus strand (G>A on the coding strand, the complement: PMS2 is on the minus strand). VCF-style: chr7-6003793-C-T. GRCh37 (hg19) VCF-style: chr7-6043424-C-T.
Other names: c.274G>A, p.Ala92Thr (NM_001406868.1); c.35+179G>A (NM_001322008.2, NM_001406902.1, NM_001406883.1 and 4 more transcripts); c.-132+179G>A (NM_001406881.1, NM_001406900.1); c.-102-1G>A (NM_001406895.1, NM_001406904.1, NM_001406889.1 and 6 more transcripts); c.-155-1G>A (NM_001406911.1, NM_001322010.2, NM_001322004.2 and 13 more transcripts); c.-234-1G>A (NM_001406879.1, NM_001322015.2, NM_001406878.1 and 3 more transcripts); c.-634-1G>A (NM_001322012.2, NM_001322011.2); c.-52-1157G>A (NM_001406896.1); and 5 more; short protein forms A92T.
Identifiers: ClinVar variation 1792408 (VCV001792408.4), dbSNP rs764171734, ClinGen allele CA366744735.
Genomic context (GRCh38, chr7:6,003,793, plus strand): 5'-AAGTTTCAACCTGAGTTAGGTCGGCAAACTCTTGAATCTTAGATGTGTGATGTTTCAGAG[C>T]TGAAAGAGAGTGTAAAGTAAGGACTAAGATATCTCAAGTGCTATAACAACAAAATATACA-3'